The following is an entry in ClinVar:

NM_000138.5(FBN1):c.261T>G (p.His87Gln)

Gene: FBN1 (fibrillin 1; minus strand). Cytogenetic location: 15q21.1.
Variant type: single nucleotide variant.
Coding change: c.261T>G on transcript NM_000138.5 (MANE Select); coding-DNA position 261, T replaced by G.
Protein change: p.His87Gln; replaces histidine 87 with glutamine.
Molecular consequence: missense variant.
Genome position (GRCh38, 1-based): chr15:48,610,813, A>C on the plus strand (T>G on the coding strand, the complement: FBN1 is on the minus strand). VCF-style: chr15-48610813-A-C. GRCh37 (hg19) VCF-style: chr15-48903010-A-C.
Other names: c.261T>G, p.His87Gln (NM_001406716.1, NM_001406717.1); short protein forms H87Q.
Identifiers: ClinVar variation 5021602 (VCV005021602.1).

ClinVar aggregate classification (germline): Uncertain significance (1 of 4 stars; one submission).

Conditions:
Familial thoracic aortic aneurysm and aortic dissection (TAAD). Also called: Thoracic aortic aneurysms and dissections. Identifiers: Orphanet 91387, MedGen C4707243, MONDO:0019625.

gnomAD v4.1: 1 of 1,613,920 alleles (0.000062%); no homozygotes.

Submission:

Ambry Genetics
Classification: Uncertain significance for Familial thoracic aortic aneurysm and aortic dissection. Last evaluated: 2026-08-29. Review status: criteria provided, single submitter. Criteria: Ambry Variant Classification Scheme 2023. Collection method: clinical testing. Allele origin: germline.
Comment: The p.H87Q variant (also known as c.261T>G), located in coding exon 3 of the FBN1 gene, results from a T to G substitution at nucleotide position 261. The histidine at codon 87 is replaced by glutamine, an amino acid with highly similar properties. This amino acid position is conserved. In addition, the in silico prediction for this alteration is inconclusive. Based on the available evidence, the clinical significance of this variant remains unclear.